The following is an entry in ClinVar:

ClinVar aggregate classification (germline): Uncertain significance (1 of 4 stars; one submission).

Conditions:
Gorlin syndrome. Also called: Basal cell nevus syndrome; Nevoid Basal Cell Carcinoma Syndrome. Identifiers: Orphanet 377, MedGen C0004779, MONDO:0007187.

Submission:

Labcorp Genetics (formerly Invitae), Labcorp
Classification: Uncertain significance for Gorlin syndrome. Last evaluated: 2022-01-01. Review status: criteria provided, single submitter. Criteria: Invitae Variant Classification Sherloc (09022015). Collection method: clinical testing. Allele origin: germline.
Comment: In summary, the available evidence is currently insufficient to determine the role of this variant in disease. Therefore, it has been classified as a Variant of Uncertain Significance. Advanced modeling of protein sequence and biophysical properties (such as structural, functional, and spatial information, amino acid conservation, physicochemical variation, residue mobility, and thermodynamic stability) performed at Invitae indicates that this missense variant is not expected to disrupt PTCH1 protein function. This variant has not been reported in the literature in individuals affected with PTCH1-related conditions. This variant is not present in population databases (gnomAD no frequency). This sequence change replaces proline, which is neutral and non-polar, with serine, which is neutral and polar, at codon 813 of the PTCH1 protein (p.Pro813Ser).

NM_000264.5(PTCH1):c.2437C>T (p.Pro813Ser)

Genes: PTCH1 (patched 1; minus strand), LOC100507346 (uncharacterized LOC100507346; plus strand). Cytogenetic location: 9q22.32.
Variant type: single nucleotide variant.
Coding change: c.2437C>T on transcript NM_000264.5 (MANE Select); coding-DNA position 2437, C replaced by T.
Protein change: p.Pro813Ser; replaces proline 813 with serine.
Molecular consequence: missense variant. On other transcripts: non-coding transcript variant (1).
Genome position (GRCh38, 1-based): chr9:95,467,239, G>A on the plus strand (C>T on the coding strand, the complement: PTCH1 is on the minus strand). VCF-style: chr9-95467239-G-A. GRCh37 (hg19) VCF-style: chr9-98229521-G-A.
Other names: c.2239C>T, p.Pro747Ser (NM_001083602.3); c.2434C>T, p.Pro812Ser (NM_001083603.3); c.1984C>T, p.Pro662Ser (NM_001083604.3, NM_001083605.3, NM_001083606.3 and 1 more transcripts); c.2281C>T, p.Pro761Ser (NM_001354918.2); short protein forms P662S, P761S, P812S, P813S, P747S.
Identifiers: ClinVar variation 2068372 (VCV002068372.4), dbSNP rs45579032, ClinGen allele CA374114181.
Genomic context (GRCh38, chr9:95,467,239, plus strand): 5'-TGACATACTTCACGTTACTGAAACTCCTGTGTAGGTCGTAAAGTAAGTGCTGGATATTCG[G>A]GTAGTCTGCTTTCTGGGTGACTATATACATGTTGTAGAAAGAAAAGTATTTGAATTGTGC-3'
Protein context (NP_000255.2, residues 803-823): MYIVTQKADY[Pro813Ser]NIQHLLYDLH